The following is an entry in ClinVar:

NM_000179.3(MSH6):c.4072_4074del (p.Lys1358del)

Gene: MSH6 (mutS homolog 6; plus strand). Cytogenetic location: 2p16.3.
Variant type: Deletion.
Coding change: c.4072_4074del on transcript NM_000179.3 (MANE Select); coding-DNA positions 4072 to 4074, 3 bases deleted (AAG; older notation c.4072_4074delAAG).
Protein change: p.Lys1358del; deletes lysine 1358.
Molecular consequence: inframe deletion. On other transcripts: inframe indel (33).
Genome position (GRCh38, 1-based): chr2:47,806,849-47,806,851, AAG deleted. VCF-style (leftmost placement, unchanged base first): chr2-47806848-TAAG-T. GRCh37 (hg19) VCF-style: chr2-48033987-TAAG-T.
Other names: c.3682_3684del, p.Lys1228del (NM_001281492.2); c.3166_3168del, p.Lys1056del (NM_001281493.2, NM_001281494.2); c.4168_4170delAAG, p.Lys1390del (NM_001406795.1); c.4072_4074delAAG, p.Lys1358del (NM_001406796.1, NM_001406809.1); c.3775_3777delAAG, p.Lys1259del (NM_001406797.1, NM_001406805.1, NM_001406818.1 and 8 more transcripts); c.3898_3900delAAG, p.Lys1300del (NM_001406798.1); c.3547_3549delAAG, p.Lys1183del (NM_001406799.1, NM_001406806.1, NM_001406807.1); c.*93_*95delAAG (NM_001406800.1); and 10 more; short protein forms K1056del, K1300del, K1302del, K1358del, K1360del, K285del, K1070del, K1183del.
Identifiers: ClinVar variation 2116903 (VCV002116903.4), dbSNP rs2530900310, ClinGen allele CA2580067608.
Genomic context (GRCh38, chr2:47,806,848, plus strand): 5'-CCTGGCTAGTGAAAGGTCAACTGTAGATGCTGAAGCTGTCCATAAATTGCTGACTTTGAT[TAAG>T]GAATTATAGACTGACTACATTGGAAGCTTTGAGTTGACTTCTGACAAAGGTGGTAAATTC-3'

ClinVar aggregate classification (germline): Uncertain significance (1 of 4 stars; one submission).

Conditions:
Hereditary nonpolyposis colorectal neoplasms. Identifiers: MedGen C0009405, MeSH D003123.

Submission:

Labcorp Genetics (formerly Invitae), Labcorp
Classification: Uncertain significance for Hereditary nonpolyposis colorectal neoplasms. Last evaluated: 2025-07-04. Review status: criteria provided, single submitter. Criteria: Invitae Variant Classification Sherloc (09022015). Collection method: clinical testing. Allele origin: germline.
Comment: This variant, c.4072_4074del, results in the deletion of 1 amino acid(s) of the MSH6 protein (p.Lys1358del), but otherwise preserves the integrity of the reading frame. This variant is not present in population databases (gnomAD no frequency). This variant has not been reported in the literature in individuals affected with MSH6-related conditions. ClinVar contains an entry for this variant (Variation ID: 2116903). Experimental studies and prediction algorithms are not available or were not evaluated, and the functional significance of this variant is currently unknown. In summary, the available evidence is currently insufficient to determine the role of this variant in disease. Therefore, it has been classified as a Variant of Uncertain Significance.